The following is an entry in ClinVar:

NM_000426.4(LAMA2):c.442dup (p.Arg148fs)

Gene: LAMA2 (laminin subunit alpha 2; plus strand). Cytogenetic location: 6q22.33.
Variant type: Duplication.
Coding change: c.442dup on transcript NM_000426.4 (MANE Select); coding-DNA position 442, one base duplicated (C; older notation c.442dupC).
Protein change: p.Arg148fs; shifts the reading frame from arginine 148.
Molecular consequence: frameshift variant.
Genome position (GRCh38, 1-based): chr6:129,098,218, C duplicated; the last of 6 consecutive C bases (chr6:129,098,213-129,098,218); duplicating any one gives the same sequence. VCF-style (leftmost placement, unchanged base first): chr6-129098212-T-TC. GRCh37 (hg19) VCF-style: chr6-129419357-T-TC.
Other names: c.442dup, p.Arg148fs (NM_001079823.2); short protein forms R148fs.
Identifiers: ClinVar variation 1323163 (VCV001323163.10), dbSNP rs1775302275, ClinGen allele CA2573052573.

ClinVar aggregate classification (germline): Pathogenic. Review status: criteria provided, multiple submitters, no conflicts (2 of 4 stars). 4 submissions from 4 submitters: Pathogenic (4). Last evaluated 2025-09-13.

Conditions:
LAMA2-related muscular dystrophy (LAMA2-RD). Also called: Laminin alpha 2-related dystrophy. Identifiers: MedGen C5679788, MONDO:0100228.
Merosin deficient congenital muscular dystrophy (MDC1A). Also called: Congenital merosin-deficient muscular dystrophy 1A; Congenital Muscular Dystrophy Type 1A (MDC1A). Identifiers: Orphanet 258, MedGen C1263858, MONDO:0011925, OMIM 607855.

Submissions (4):

Myriad Genetics, Inc.
Classification: Pathogenic for LAMA2-related muscular dystrophy. Last evaluated: 2025-09-13. Review status: criteria provided, single submitter. Criteria: Myriad Autosomal Dominant, Autosomal Recessive and X-Linked Classification Criteria (2023). Collection method: clinical testing. Allele origin: unknown.
Comment: NM_000426.3(LAMA2):c.442dupC(R148Pfs*12) is expected to be pathogenic in the context of muscular dystrophy, LAMA2-related. This variant is predicted to lead to an abnormal or absent protein product due to the creation of a premature termination codon in LAMA2, a gene where loss-of-function variants are known to be pathogenic. Please note: this variant was assessed in the context of healthy population screening.

Labcorp Genetics (formerly Invitae), Labcorp
Classification: Pathogenic for LAMA2-related muscular dystrophy. Last evaluated: 2023-12-03. Review status: criteria provided, single submitter. Criteria: Invitae Variant Classification Sherloc (09022015). Collection method: clinical testing. Allele origin: germline.
Comment: This sequence change creates a premature translational stop signal (p.Arg148Profs*12) in the LAMA2 gene. It is expected to result in an absent or disrupted protein product. Loss-of-function variants in LAMA2 are known to be pathogenic (PMID: 18700894, 32904964). This variant is not present in population databases (gnomAD no frequency). This premature translational stop signal has been observed in individual(s) with congenital muscular dystrophy (PMID: 32266982). This variant is also known as c.442_443insC (p.Arg148Profs*11). ClinVar contains an entry for this variant (Variation ID: 1323163). For these reasons, this variant has been classified as Pathogenic.

Baylor Genetics
Classification: Pathogenic for Merosin deficient congenital muscular dystrophy. Last evaluated: 2023-09-22. Review status: criteria provided, single submitter. Criteria: ACMG Guidelines, 2015. Collection method: clinical testing. Allele origin: unknown.

Revvity Omics, Revvity
Classification: Pathogenic. Last evaluated: 2021-03-22. Review status: criteria provided, single submitter. Criteria: ACMG Guidelines, 2015. Collection method: clinical testing. Allele origin: germline.

Literature cited by the submitters: PubMed 18700894 (cited by Labcorp Genetics (formerly Invitae), Labcorp); PubMed 32904964 (cited by Labcorp Genetics (formerly Invitae), Labcorp); PubMed 32266982 (cited by Labcorp Genetics (formerly Invitae), Labcorp).